The following is an entry in ClinVar:

ClinVar aggregate classification (germline): Uncertain significance (1 of 4 stars; one submission).

Conditions:
Congenital myasthenic syndrome 10. Also called: Myasthenia, limb-girdle, familial. Identifiers: Orphanet 590, MedGen C1850792, MONDO:0009690, OMIM 254300.

Submission:

3billion
Classification: Uncertain significance for Congenital myasthenic syndrome 10. Last evaluated: 2025-10-16. Review status: criteria provided, single submitter. Criteria: ACMG Guidelines, 2015. Collection method: clinical testing. Allele origin: germline. Affected: yes.
Comment: The variant is observed at an extremely low frequency in the gnomAD v4.1.0 dataset (total allele frequency: <0.001%). Predicted Consequence/Location: Frameshift: predicted to result in a loss or disruption of normal protein function through protein truncation. The predicted truncated protein may be shortened by less than 10%. Therefore, this variant is classified as VUS according to the recommendation of ACMG/AMP guideline.

NM_173660.5(DOK7):c.1372del (p.Ala458fs)

Gene: DOK7 (docking protein 7; plus strand). Cytogenetic location: 4p16.3.
Variant type: Deletion.
Coding change: c.1372del on transcript NM_173660.5 (MANE Select); coding-DNA position 1372, one base deleted (G; older notation c.1372delG).
Protein change: p.Ala458fs; shifts the reading frame from alanine 458.
Molecular consequence: frameshift variant. On other transcripts: 3 prime UTR variant (1).
Genome position (GRCh38, 1-based): chr4:3,493,358, G deleted; the last of 2 consecutive G bases (chr4:3,493,357-3,493,358); deleting either gives the same sequence. VCF-style (leftmost placement, unchanged base first): chr4-3493356-AG-A. GRCh37 (hg19) VCF-style: chr4-3495083-AG-A.
Other names: c.*593del (NM_001164673.2); c.442del, p.Ala148fs (NM_001256896.2); c.1372del, p.Ala458fs (NM_001301071.2); c.940del, p.Ala314fs (NM_001363811.2); short protein forms A148fs, A314fs, A458fs.
Identifiers: ClinVar variation 4855234 (VCV004855234.1).
Genomic context (GRCh38, chr4:3,493,356, plus strand): 5'-AGACGTCCGCCGGGTGTCCCTCTGGCTGGCTGGGCACGAGACGGCGGGGCCTGGTGATGG[AG>A]GCCCCCCAGGGCAGCGAGGCCACACTGCCTGGCCCTGCCCCTGGCGAGCCCTGGGAAGCA-3'